The following is an entry in ClinVar:

NM_001543.5(NDST1):c.1029C>T (p.Asn343=)

Gene: NDST1 (N-deacetylase and N-sulfotransferase 1; plus strand). Cytogenetic location: 5q33.1.
Variant type: single nucleotide variant.
Coding change: c.1029C>T on transcript NM_001543.5 (MANE Select); coding-DNA position 1029, C replaced by T.
Protein change: p.Asn343=; no amino-acid change (asparagine 343 retained).
Molecular consequence: synonymous variant.
Genome position (GRCh38, 1-based): chr5:150,532,965, C>T. VCF-style: chr5-150532965-C-T. GRCh37 (hg19) VCF-style: chr5-149912527-C-T.
Other names: c.1029C>T (NM_001543.4); c.1029C>T, p.Asn343= (NM_001301063.2).
Identifiers: ClinVar variation 1581567 (VCV001581567.10), dbSNP rs2273232, ClinGen allele CA3512555.
Genomic context (GRCh38, chr5:150,532,965, plus strand): 5'-GCTTTCCCTCACTCATTCCTTTCTCCCCTGCCTGTCCTAGGCCCTGTTTGACACACAGAA[C>T]GAACTACGCGCACACATCCCAAACTTCACCTTCAACCTGGGCTACTCAGGGAAATTCTTC-3'
Protein context (NP_001534.1, residues 333-353): EDVKALFDTQ[Asn343=]ELRAHIPNFT

ClinVar aggregate classification (germline): Benign. Review status: criteria provided, single submitter (1 of 4 stars). 2 submissions from 2 submitters: Benign (1). 1 of the submissions does not count toward it. Last evaluated 2026-01-21.

Conditions:
NDST1-related disorder. Also called: NDST1-related condition.

Allele frequency attached by ClinVar (database versions not stated): ESP Exome Variant Server 0.01369; TOPMed 0.01918; gnomAD 0.02159 and 0.02600; gnomAD exomes 0.03916; ExAC 0.03968; 1000 Genomes Project 30x 0.05543; 1000 Genomes Project 0.05970.
gnomAD v4.1: 40,690 of 1,614,050 alleles (2.5%); highest among the groups gnomAD compares: East Asian, 19%; 1,687 homozygotes.

Submissions (2):

Labcorp Genetics (formerly Invitae), Labcorp
Classification: Benign. Last evaluated: 2026-01-21. Review status: criteria provided, single submitter. Criteria: Invitae Variant Classification Sherloc (09022015). Collection method: clinical testing. Allele origin: germline.

PreventionGenetics, part of Exact Sciences
Classification: Benign for NDST1-related condition. Last evaluated: 2019-04-12. Review status: no assertion criteria provided. Collection method: clinical testing. Allele origin: germline. Not counted in ClinVar's aggregate classification.
Comment: This variant is classified as benign based on ACMG/AMP sequence variant interpretation guidelines (Richards et al. 2015 PMID: 25741868, with internal and published modifications).